The following is an entry in ClinVar:

ClinVar aggregate classification (germline): Likely pathogenic. Review status: criteria provided, multiple submitters, no conflicts (2 of 4 stars). 2 submissions from 2 submitters: Likely pathogenic (2). Last evaluated 2023-08-21.

Conditions:
C7-related disorders.

Allele frequency attached by ClinVar (database versions not stated): ExAC 0.00001; TOPMed 0.00001; gnomAD 0.00003; ESP Exome Variant Server 0.00008.
gnomAD v4.1: 4 of 1,612,924 alleles (0.00025%); highest among the groups gnomAD compares: African/African-American, 0.0053%; no homozygotes.

Submissions (2):

Blueprint Genetics
Classification: Likely pathogenic for C7-related disorders. Last evaluated: 2023-08-21. Review status: criteria provided, single submitter. Criteria: ACMG Guidelines, 2015. Collection method: clinical testing. Allele origin: germline. Affected: yes. Observed: 1 variant allele.

Labcorp Genetics (formerly Invitae), Labcorp
Classification: Likely pathogenic. Last evaluated: 2023-05-23. Review status: criteria provided, single submitter. Criteria: Invitae Variant Classification Sherloc (09022015). Collection method: clinical testing. Allele origin: germline.
Comment: In summary, the currently available evidence indicates that the variant is pathogenic, but additional data are needed to prove that conclusively. Therefore, this variant has been classified as Likely Pathogenic. Algorithms developed to predict the effect of sequence changes on RNA splicing suggest that this variant may disrupt the consensus splice site. This variant has not been reported in the literature in individuals affected with C7-related conditions. This variant is present in population databases (rs376515888, gnomAD 0.02%). This sequence change affects an acceptor splice site in intron 7 of the C7 gene. It is expected to disrupt RNA splicing. Variants that disrupt the donor or acceptor splice site typically lead to a loss of protein function (PMID: 16199547), and loss-of-function variants in C7 are known to be pathogenic (PMID: 9856499, 17407100).

Literature cited by the submitters: PubMed 16199547 (cited by Labcorp Genetics (formerly Invitae), Labcorp); PubMed 9856499 (cited by Labcorp Genetics (formerly Invitae), Labcorp); PubMed 17407100 (cited by Labcorp Genetics (formerly Invitae), Labcorp).

NM_000587.4(C7):c.739-2A>G

Gene: C7 (complement C7; plus strand). Cytogenetic location: 5p13.1.
Variant type: single nucleotide variant.
Coding change: c.739-2A>G on transcript NM_000587.4 (MANE Select); the canonical splice acceptor site of the intron before coding-DNA position 739, A replaced by G.
Molecular consequence: splice acceptor variant.
Genome position (GRCh38, 1-based): chr5:40,947,600, A>G. VCF-style: chr5-40947600-A-G. GRCh37 (hg19) VCF-style: chr5-40947702-A-G.
Identifiers: ClinVar variation 2870005 (VCV002870005.4), dbSNP rs376515888, ClinGen allele CA3249758.
Genomic context (GRCh38, chr5:40,947,600, plus strand): 5'-CTATTTCCATTGCCTTTTTATCTTCCACCTAAAACTCCTTGTACTCTTTCTTCTTTCCAC[A>G]GAGTTACCAACTGCTGGTTGTTGAGAACACTGTTGAAGTGGCTCAGTTCATTAATAACAA-3'